The following is an entry in ClinVar:

NM_139318.5(KCNH5):c.2026T>G (p.Phe676Val)

Gene: KCNH5 (potassium voltage-gated channel subfamily H member 5; minus strand). Cytogenetic location: 14q23.2.
Variant type: single nucleotide variant.
Coding change: c.2026T>G on transcript NM_139318.5 (MANE Select); coding-DNA position 2026, T replaced by G.
Protein change: p.Phe676Val; replaces phenylalanine 676 with valine.
Molecular consequence: missense variant.
Genome position (GRCh38, 1-based): chr14:62,708,449, A>C on the plus strand (T>G on the coding strand, the complement: KCNH5 is on the minus strand). VCF-style: chr14-62708449-A-C. GRCh37 (hg19) VCF-style: chr14-63175167-A-C.
Other names: c.1829T>G, p.Leu610Arg (NM_172375.3); c.2026T>G (NM_139318.3); short protein forms F676V, L610R.
Identifiers: ClinVar variation 2066564 (VCV002066564.5), dbSNP rs374265528, ClinGen allele CA7217333.

ClinVar aggregate classification (germline): Uncertain significance. Review status: criteria provided, multiple submitters, no conflicts (2 of 4 stars). 2 submissions from 2 submitters: Uncertain significance (2). Last evaluated 2025-07-14.

Conditions:
Early-infantile DEE. Also called: Early infantile epileptic encephalopathy with suppression bursts; Early infantile epileptic encephalopathy; Ohtahara syndrome. Identifiers: Orphanet 1934, MedGen C0393706, MONDO:0800491.
Inborn genetic diseases. Identifiers: MedGen C0950123, MeSH D030342.

Allele frequency attached by ClinVar (database versions not stated): gnomAD exomes 0.00001; TOPMed 0.00001; ESP Exome Variant Server 0.00008.

Submissions (2):

Ambry Genetics
Classification: Uncertain significance for Inborn genetic diseases. Last evaluated: 2025-07-14. Review status: criteria provided, single submitter. Criteria: Ambry Variant Classification Scheme 2023. Collection method: clinical testing. Allele origin: germline.

Labcorp Genetics (formerly Invitae), Labcorp
Classification: Uncertain significance for Early-infantile DEE. Last evaluated: 2023-07-12. Review status: criteria provided, single submitter. Criteria: Invitae Variant Classification Sherloc (09022015). Collection method: clinical testing. Allele origin: germline.
Comment: In summary, the available evidence is currently insufficient to determine the role of this variant in disease. Therefore, it has been classified as a Variant of Uncertain Significance. This sequence change replaces phenylalanine, which is neutral and non-polar, with valine, which is neutral and non-polar, at codon 676 of the KCNH5 protein (p.Phe676Val). This variant is not present in population databases (gnomAD no frequency). This variant has not been reported in the literature in individuals affected with KCNH5-related conditions. ClinVar contains an entry for this variant (Variation ID: 2066564). An algorithm developed to predict the effect of missense changes on protein structure and function (PolyPhen-2) suggests that this variant is likely to be disruptive.